The following is an entry in ClinVar:

ClinVar aggregate classification (germline): Uncertain significance (1 of 4 stars; one submission).

Conditions:
Inborn genetic diseases. Identifiers: MedGen C0950123, MeSH D030342.

gnomAD v4.1: 1 of 1,614,220 alleles (0.000062%); highest among the groups gnomAD compares: East Asian, 0.0022%; no homozygotes.

Submission:

Ambry Genetics
Classification: Uncertain significance for Inborn genetic diseases. Last evaluated: 2025-08-06. Review status: criteria provided, single submitter. Criteria: Ambry Variant Classification Scheme 2023. Collection method: clinical testing. Allele origin: germline.
Comment: The p.R124G variant (also known as c.370A>G), located in coding exon 4 of the ETV6 gene, results from an A to G substitution at nucleotide position 370. The arginine at codon 124 is replaced by glycine, an amino acid with dissimilar properties. This amino acid position is highly conserved in available vertebrate species. In addition, the in silico prediction for this alteration is inconclusive. Based on the available evidence, the clinical significance of this variant remains unclear.

NM_001987.5(ETV6):c.370A>G (p.Arg124Gly)

Gene: ETV6 (ETS variant transcription factor 6; plus strand). Cytogenetic location: 12p13.2.
Variant type: single nucleotide variant.
Coding change: c.370A>G on transcript NM_001987.5 (MANE Select); coding-DNA position 370, A replaced by G.
Protein change: p.Arg124Gly; replaces arginine 124 with glycine.
Molecular consequence: missense variant.
Genome position (GRCh38, 1-based): chr12:11,853,468, A>G. VCF-style: chr12-11853468-A-G. GRCh37 (hg19) VCF-style: chr12-12006402-A-G.
Other names: c.367A>G, p.Arg123Gly (NM_001413913.1); c.343A>G, p.Arg115Gly (NM_001413914.1); c.106A>G, p.Arg36Gly (NM_001413915.1); c.370A>G, p.Arg124Gly (NM_001413916.1, NM_001413917.1); short protein forms R115G, R124G, R123G, R36G.
Identifiers: ClinVar variation 4251456 (VCV004251456.1).